The following is an entry in ClinVar:

NM_002485.5(NBN):c.2078A>G (p.Tyr693Cys)

Gene: NBN (nibrin; minus strand). Cytogenetic location: 8q21.3.
Variant type: single nucleotide variant.
Coding change: c.2078A>G on transcript NM_002485.5 (MANE Select); coding-DNA position 2078, A replaced by G.
Protein change: p.Tyr693Cys; replaces tyrosine 693 with cysteine.
Molecular consequence: missense variant.
Genome position (GRCh38, 1-based): chr8:89,943,359, T>C on the plus strand (A>G on the coding strand, the complement: NBN is on the minus strand). VCF-style: chr8-89943359-T-C. GRCh37 (hg19) VCF-style: chr8-90955587-T-C.
Other names: c.1832A>G, p.Tyr611Cys (NM_001024688.3); short protein forms Y693C, Y611C.
Identifiers: ClinVar variation 577030 (VCV000577030.10), dbSNP rs1563508706, ClinGen allele CA371675893.

ClinVar aggregate classification (germline): Uncertain significance. Review status: criteria provided, multiple submitters, no conflicts (2 of 4 stars). 2 submissions from 2 submitters: Uncertain significance (2). Last evaluated 2023-05-23.

Conditions:
Hereditary cancer-predisposing syndrome. Also called: Hereditary neoplastic syndrome; Tumor predisposition; Hereditary Cancer Syndrome; Neoplastic Syndromes, Hereditary. Identifiers: Orphanet 140162, MedGen C0027672, MeSH D009386, MONDO:0015356.
Microcephaly, normal intelligence and immunodeficiency (NBS). Also called: BERLIN BREAKAGE SYNDROME; SEEMANOVA SYNDROME II; Ataxia telangiectasia variant V1; IMMUNODEFICIENCY, MICROCEPHALY, AND CHROMOSOMAL INSTABILITY; Immunodeficiency, microcephaly with normal intelligence; Nijmegen breakage syndrome. Identifiers: Orphanet 647, MedGen C0398791, MONDO:0009623, OMIM 251260.

Submissions (2):

Ambry Genetics
Classification: Uncertain significance for Hereditary cancer-predisposing syndrome. Last evaluated: 2023-05-23. Review status: criteria provided, single submitter. Criteria: Ambry Variant Classification Scheme 2023. Collection method: clinical testing. Allele origin: germline.
Comment: The p.Y693C variant (also known as c.2078A>G), located in coding exon 14 of the NBN gene, results from an A to G substitution at nucleotide position 2078. The tyrosine at codon 693 is replaced by cysteine, an amino acid with highly dissimilar properties. This amino acid position is conserved. In addition, this alteration is predicted to be tolerated by in silico analysis. Since supporting evidence is limited at this time, the clinical significance of this alteration remains unclear.

Labcorp Genetics (formerly Invitae), Labcorp
Classification: Uncertain significance for Microcephaly, normal intelligence and immunodeficiency. Last evaluated: 2018-05-09. Review status: criteria provided, single submitter. Criteria: Invitae Variant Classification Sherloc (09022015). Collection method: clinical testing. Allele origin: germline.
Comment: This variant has not been reported in the literature in individuals with NBN-related disease. This variant is not present in population databases (ExAC no frequency). This sequence change replaces tyrosine with cysteine at codon 693 of the NBN protein (p.Tyr693Cys). The tyrosine residue is weakly conserved and there is a large physicochemical difference between tyrosine and cysteine. In summary, the available evidence is currently insufficient to determine the role of this variant in disease. Therefore, it has been classified as a Variant of Uncertain Significance. Algorithms developed to predict the effect of missense changes on protein structure and function (SIFT, PolyPhen-2, Align-GVGD) all suggest that this variant is likely to be tolerated, but these predictions have not been confirmed by published functional studies and their clinical significance is uncertain.